The following is an entry in ClinVar:

ClinVar aggregate classification (germline): Likely benign. Review status: criteria provided, multiple submitters, no conflicts (2 of 4 stars). 3 submissions from 3 submitters: Likely benign (2). 1 of the submissions does not count toward it. Last evaluated 2025-09-04.

Conditions:
UBR1-related disorder. Also called: UBR1-related condition.

Allele frequency attached by ClinVar (database versions not stated): gnomAD exomes 0.00007 and 0.00008; ExAC 0.00009; gnomAD 0.00014 and 0.00015; TOPMed 0.00018.
gnomAD v4.1: 119 of 1,612,832 alleles (0.0074%); highest among the groups gnomAD compares: Admixed American, 0.063%; no homozygotes.

Submissions (3):

Labcorp Genetics (formerly Invitae), Labcorp
Classification: Likely benign. Last evaluated: 2025-09-04. Review status: criteria provided, single submitter. Criteria: Invitae Variant Classification Sherloc (09022015). Collection method: clinical testing. Allele origin: germline.

Blueprint Genetics
Classification: Likely benign. Last evaluated: 2024-10-22. Review status: criteria provided, single submitter. Criteria: ACMG Guidelines, 2015. Collection method: clinical testing. Allele origin: germline.

PreventionGenetics, part of Exact Sciences
Classification: Likely benign for UBR1-related condition. Last evaluated: 2019-12-04. Review status: no assertion criteria provided. Collection method: clinical testing. Allele origin: germline. Not counted in ClinVar's aggregate classification.
Comment: This variant is classified as likely benign based on ACMG/AMP sequence variant interpretation guidelines (Richards et al. 2015 PMID: 25741868, with internal and published modifications).

NM_174916.3(UBR1):c.3750T>C (p.His1250=)

Gene: UBR1 (ubiquitin protein ligase E3 component n-recognin 1; minus strand). Cytogenetic location: 15q15.2.
Variant type: single nucleotide variant.
Coding change: c.3750T>C on transcript NM_174916.3 (MANE Select); coding-DNA position 3750, T replaced by C.
Protein change: p.His1250=; no amino-acid change (histidine 1250 retained).
Molecular consequence: synonymous variant.
Genome position (GRCh38, 1-based): chr15:42,998,175, A>G on the plus strand (T>C on the coding strand, the complement: UBR1 is on the minus strand). VCF-style: chr15-42998175-A-G. GRCh37 (hg19) VCF-style: chr15-43290373-A-G.
Identifiers: ClinVar variation 755292 (VCV000755292.11), dbSNP rs778759667, ClinGen allele CA7518099.